The following is an entry in ClinVar:

NM_001353345.2(SETD1B):c.2249C>T (p.Pro750Leu)

Gene: SETD1B (SET domain containing 1B, histone lysine methyltransferase; plus strand). Cytogenetic location: 12q24.31.
Variant type: single nucleotide variant.
Coding change: c.2249C>T on transcript NM_001353345.2 (MANE Select); coding-DNA position 2249, C replaced by T.
Protein change: p.Pro750Leu; replaces proline 750 with leucine.
Molecular consequence: missense variant.
Genome position (GRCh38, 1-based): chr12:121,814,464, C>T. VCF-style: chr12-121814464-C-T. GRCh37 (hg19) VCF-style: chr12-122252370-C-T.
Other names: NM_015048.1:c.2249C>T; short protein forms P750L.
Identifiers: ClinVar variation 1699357 (VCV001699357.5), dbSNP rs1261222012, ClinGen allele CA386994240.

ClinVar aggregate classification (germline): Uncertain significance. Review status: criteria provided, multiple submitters, no conflicts (2 of 4 stars). 3 submissions from 3 submitters: Uncertain significance (3). Last evaluated 2025-02-04.

Conditions:
Inborn genetic diseases. Identifiers: MedGen C0950123, MeSH D030342.
Intellectual developmental disorder with seizures and language delay (IDDSELD). Identifiers: MedGen C5436574, MONDO:0033559, OMIM 619000.

Allele frequency attached by ClinVar (database versions not stated): gnomAD 0.00002; TOPMed below 0.00001; gnomAD exomes 0.00001.

Submissions (3):

Revvity Omics, Revvity
Classification: Uncertain significance for Intellectual developmental disorder with seizures and language delay. Last evaluated: 2025-02-04. Review status: criteria provided, single submitter. Criteria: ACMG Guidelines, 2015. Collection method: clinical testing. Allele origin: germline.

Ambry Genetics
Classification: Uncertain significance for Inborn genetic diseases. Last evaluated: 2024-01-22. Review status: criteria provided, single submitter. Criteria: Ambry Variant Classification Scheme 2023. Collection method: clinical testing. Allele origin: germline.

Victorian Clinical Genetics Services, Murdoch Childrens Research Institute
Classification: Uncertain significance for Intellectual developmental disorder with seizures and language delay. Last evaluated: 2020-05-25. Review status: criteria provided, single submitter. Criteria: ACMG Guidelines, 2015. Collection method: clinical testing. Allele origin: germline. Inheritance: Autosomal dominant inheritance. Affected: yes.
Comment: Based on the classification scheme VCGS_Germline_v1.1.1, this variant is classified as VUS – 3B. Following criteria are met: 0102 - Loss-of-function is a known mechanism of disease for this gene. (N) 0107 - This gene is known to be associated with autosomal dominant disease. (N) 0200 - Variant is predicted to result in a missense amino acid change from proline to leucine (exon 6). (N) 0251 - Variant is heterozygous. (N) 0302 - Variant is present in gnomAD <0.001 for a dominant condition (1 Heterozygote, 0 Homozygote). (P) 0502 - Missense variant with conflicting in-silico predictions and/or uninformative conservation. (N) 0604 - Variant is not located in an established domain, motif, hotspot or informative constraint region. (N) 0705 - No comparable variants have previous evidence for pathogenicity. (N) 0807 - Variant has not previously been reported in a clinical context. (N) 0905 - No segregation evidence has been identified for this variant. (N) 1007 - No published functional evidence has been identified for this variant. (N) 1208 - Inheritance information for this variant is not currently available. (N) Legend: (P) - Pathogenic, (N) - Neutral, (B) - Benign